The following is an entry in ClinVar:

NM_001927.4(DES):c.-30_-18dup

Genes: DES (desmin; plus strand), DES-LCR (desmin locus control region; plus strand). Cytogenetic location: 2q35.
Variant type: Duplication.
Coding change: c.-30_-18dup on transcript NM_001927.4 (MANE Select); 30 bases upstream of the start codon through 18 bases upstream of the start codon, 13 bases duplicated (GCGCCCGCCAGCC).
Molecular consequence: 5 prime UTR variant.
Genome position (GRCh38, 1-based): chr2:219,418,433-219,418,445, GCGCCCGCCAGCC duplicated. VCF-style (leftmost placement, unchanged base first): chr2-219418432-T-TGCGCCCGCCAGCC. GRCh37 (hg19) VCF-style: chr2-220283154-T-TGCGCCCGCCAGCC.
Other names: c.-30_-18dup (LRG_380t1); c.-30_-18dup13 (NM_001927.3).
Identifiers: ClinVar variation 201699 (VCV000201699.10), dbSNP rs794728983, ClinGen allele CA308253.

ClinVar aggregate classification (germline): Benign. Review status: criteria provided, multiple submitters, no conflicts (2 of 4 stars). 6 submissions from 5 submitters: Benign (2). 4 of the submissions do not count toward it. Last evaluated 2020-10-19.

Allele frequency attached by ClinVar (database versions not stated): 1000 Genomes Project 30x 0.02389; gnomAD exomes 0.00148; ExAC 0.00352; ESP Exome Variant Server 0.00890; gnomAD 0.01846 and 0.01968; 1000 Genomes Project 0.02157.

Submissions (6):

Women's Health and Genetics/Laboratory Corporation of America, LabCorp
Classification: Benign. Last evaluated: 2020-10-19. Review status: criteria provided, single submitter. Criteria: LabCorp Variant Classification Summary - May 2015. Collection method: clinical testing. Allele origin: germline.
Comment: Variant summary: DES c.-30_-18dup13 is located in the untranslated mRNA region upstream of the initiation codon. The variant allele was found at a frequency of 0.0011 in 165222 control chromosomes, predominantly at a frequency of 0.024 within the African or African-American subpopulation in the gnomAD database, including 5 homozygotes. The observed variant frequency within African or African-American control individuals in the gnomAD database is approximately 768-fold of the estimated maximal expected allele frequency for a pathogenic variant in DES causing Dilated Cardiomyopathy phenotype (3.1e-05), strongly suggesting that the variant is a benign polymorphism found primarily in populations of African or African-American origin. A co-occurrence with a pathogenic variant has been reported (MYBPC3 c.3330+5G>C; Internal testing), providing supporting evidence for a benign role. No clinical diagnostic laboratories have submitted clinical-significance assessments for this variant to ClinVar after 2014. Based on the evidence outlined above, the variant was classified as benign.

GeneDx
Classification: Benign. Last evaluated: 2015-04-01. Review status: criteria provided, single submitter. Criteria: GeneDx Variant Classification Process June 2021. Collection method: clinical testing. Allele origin: germline. Affected: yes.

Clinical Genetics, Academic Medical Center
Classification: Benign. Review status: no assertion criteria provided. Collection method: clinical testing. Allele origin: germline. Affected: yes. Study: VKGL Data-share Consensus. Not counted in ClinVar's aggregate classification.

Diagnostic Laboratory, Department of Genetics, University Medical Center Groningen
Classification: Likely benign. Review status: no assertion criteria provided. Collection method: clinical testing. Allele origin: germline. Affected: yes. Study: VKGL Data-share Consensus. Not counted in ClinVar's aggregate classification.

Joint Genome Diagnostic Labs from Nijmegen and Maastricht, Radboudumc and MUMC+
Classification: Likely benign. Review status: no assertion criteria provided. Collection method: clinical testing. Allele origin: germline. Affected: yes. Study: VKGL Data-share Consensus. Not counted in ClinVar's aggregate classification.

GeneDx
Classification: Benign. Last evaluated: 2014-06-04. Review status: flagged submission. Criteria: GeneDx Variant Classification (06012015). Collection method: clinical testing. Allele origin: germline. Affected: yes. Not counted in ClinVar's aggregate classification.
Comment: The variant is found in DCM,DCM-CRDM panel(s).
ClinVar note: Reason: This record appears to be redundant with a more recent record from the same submitter.
ClinVar note: Notes: SCV000235775 appears to be redundant with SCV001754176.